The following is an entry in ClinVar:

ClinVar aggregate classification (germline): Uncertain significance (1 of 4 stars; one submission).

gnomAD v4.1: 1 of 1,614,124 alleles (0.000062%); highest among the groups gnomAD compares: Admixed American, 0.0017%; no homozygotes.

Submission:

Labcorp Genetics (formerly Invitae), Labcorp
Classification: Uncertain significance. Last evaluated: 2024-10-30. Review status: criteria provided, single submitter. Criteria: Invitae Variant Classification Sherloc (09022015). Collection method: clinical testing. Allele origin: germline.
Comment: This sequence change replaces serine, which is neutral and polar, with phenylalanine, which is neutral and non-polar, at codon 533 of the RBBP8 protein (p.Ser533Phe). This variant is present in population databases (no rsID available, gnomAD 0.1%). This variant has not been reported in the literature in individuals affected with RBBP8-related conditions. Invitae Evidence Modeling of protein sequence and biophysical properties (such as structural, functional, and spatial information, amino acid conservation, physicochemical variation, residue mobility, and thermodynamic stability) has been performed for this missense variant. However, the output from this modeling did not meet the statistical confidence thresholds required to predict the impact of this variant on RBBP8 protein function. In summary, the available evidence is currently insufficient to determine the role of this variant in disease. Therefore, it has been classified as a Variant of Uncertain Significance.

NM_002894.3(RBBP8):c.1598C>T (p.Ser533Phe)

Gene: RBBP8 (RB binding protein 8, endonuclease; plus strand). Cytogenetic location: 18q11.2.
Variant type: single nucleotide variant.
Coding change: c.1598C>T on transcript NM_002894.3 (MANE Select); coding-DNA position 1598, C replaced by T.
Protein change: p.Ser533Phe; replaces serine 533 with phenylalanine.
Molecular consequence: missense variant.
Genome position (GRCh38, 1-based): chr18:22,993,425, C>T. VCF-style: chr18-22993425-C-T. GRCh37 (hg19) VCF-style: chr18-20573388-C-T.
Other names: c.1598C>T, p.Ser533Phe (NM_203291.2, NM_203292.2); short protein forms S533F.
Identifiers: ClinVar variation 3684750 (VCV003684750.2).
Genomic context (GRCh38, chr18:22,993,425, plus strand): 5'-AAAACAAATTTAGGCAAGTGACTCTTTATGAGGCTTTGAAGACCATTCCAAAGGGCTTTT[C>T]CTCAAGCCGTAAGGCCTCAGATGGCAACTGCACGTTGCCCAAAGATTCCCCAGGGGAGCC-3'
Protein context (NP_002885.1, residues 523-543): EALKTIPKGF[Ser533Phe]SSRKASDGNC